The following is an entry in ClinVar:

ClinVar aggregate classification (germline): Benign. Review status: criteria provided, multiple submitters, no conflicts (2 of 4 stars). 2 submissions from 2 submitters: Benign (2). Last evaluated 2018-01-13.

Conditions:
TNF receptor-associated periodic fever syndrome (TRAPS) (FPF). Also called: TNF Receptor-Associated Periodic Fever Syndrome; TNF receptor 1-associated periodic fever syndrome; FAMILIAL HIBERNIAN FEVER; TNF RECEPTOR-ASSOCIATED PERIODIC SYNDROME; TUMOR NECROSIS FACTOR RECEPTOR-ASSOCIATED PERIODIC SYNDROME; Autosomal Dominant Familial Periodic Fever. Identifiers: Orphanet 32960, MedGen C1275126, MONDO:0007727, OMIM 142680.

Allele frequency attached by ClinVar (database versions not stated): gnomAD exomes 0.00600; gnomAD 0.04333 and 0.04651; TOPMed 0.04983; 1000 Genomes Project 0.05232; 1000 Genomes Project 30x 0.05590.
gnomAD v4.1: 7,928 of 352,354 alleles (2.3%); highest among the groups gnomAD compares: African/African-American, 15%; 521 homozygotes.

Submissions (2):

Illumina Laboratory Services, Illumina
Classification: Benign for TNF receptor-associated periodic fever syndrome (TRAPS). Last evaluated: 2018-01-13. Review status: criteria provided, single submitter. Criteria: ICSL Variant Classification Criteria 13 December 2019. Collection method: clinical testing. Allele origin: germline.
Comment: This variant was observed in the ICSL laboratory as part of a predisposition screen in an ostensibly healthy population. It had not been previously curated by ICSL or reported in the Human Gene Mutation Database (HGMD: prior to June 1st, 2018), and was therefore a candidate for classification through an automated scoring system. Utilizing variant allele frequency, disease prevalence and penetrance estimates, and inheritance mode, an automated score was calculated to assess if this variant is too frequent to cause the disease. Based on the score and internal cut-off values, a variant classified as benign is not then subjected to further curation. The score for this variant resulted in a classification of benign for this disease.

Breakthrough Genomics
Classification: Benign. Review status: criteria provided, single submitter. Criteria: ACMG Guidelines, 2015. Collection method: not provided. Allele origin: germline. Inheritance: Autosomal dominant inheritance. Affected: yes.

NM_001065.4(TNFRSF1A):c.*333G>A

Gene: TNFRSF1A (TNF receptor superfamily member 1A; minus strand). Cytogenetic location: 12p13.31.
Variant type: single nucleotide variant.
Coding change: c.*333G>A on transcript NM_001065.4 (MANE Select); 333 bases downstream of the stop codon, G replaced by A.
Molecular consequence: 3 prime UTR variant. On other transcripts: non-coding transcript variant (1).
Genome position (GRCh38, 1-based): chr12:6,328,979, C>T on the plus strand (G>A on the coding strand, the complement: TNFRSF1A is on the minus strand). VCF-style: chr12-6328979-C-T. GRCh37 (hg19) VCF-style: chr12-6438145-C-T.
Other names: c.*333G>A (NM_001346091.2, NM_001346092.2).
Identifiers: ClinVar variation 310101 (VCV000310101.6), dbSNP rs4149646, ClinGen allele CA10643119.